The following is an entry in ClinVar:

NM_004606.5(TAF1):c.5015T>A (p.Met1672Lys)

Gene: TAF1 (TATA-box binding protein associated factor 1; plus strand). Cytogenetic location: Xq13.1.
Variant type: single nucleotide variant.
Coding change: c.5015T>A on transcript NM_004606.5 (MANE Select); coding-DNA position 5015, T replaced by A.
Protein change: p.Met1672Lys; replaces methionine 1672 with lysine.
Molecular consequence: missense variant. On other transcripts: non-coding transcript variant (9).
Genome position (GRCh38, 1-based): chrX:71,458,317, T>A. VCF-style: chrX-71458317-T-A. GRCh37 (hg19) VCF-style: chrX-70678167-T-A.
Other names: c.5021T>A, p.Met1674Lys (NM_001286074.2); c.5015T>A, p.Met1672Lys (NM_001440852.1, NM_001440853.1); c.4952T>A, p.Met1651Lys (NM_001440854.1, NM_138923.4); short protein forms M1651K, M1672K, M1674K.
Identifiers: ClinVar variation 5018314 (VCV005018314.1).
Genomic context (GRCh38, chrX:71,458,317, plus strand): 5'-ATACCAACACATCCCTCAGTATGTCTCGAGATGCCTCTGTATTTCAAGATGAGAGCAATA[T>A]GTCTGTCTTGGATATTCCCAGTGCCACTCCAGAAAAGCAGGTAACACAGGTAGGATGTTC-3'
Protein context (NP_004597.3, residues 1662-1682): DASVFQDESN[Met1672Lys]SVLDIPSATP

ClinVar aggregate classification (germline): Uncertain significance (1 of 4 stars; one submission).

Submission:

GeneDx
Classification: Uncertain significance. Last evaluated: 2026-04-07. Review status: criteria provided, single submitter. Criteria: GeneDx Variant Classification Process June 2021. Collection method: clinical testing. Allele origin: germline.
Comment: Not observed at significant frequency in large population cohorts (gnomAD); In silico analysis suggests that this missense variant does not alter protein structure/function; Has not been previously published as pathogenic or benign to our knowledge